The following is an entry in ClinVar:

ClinVar aggregate classification (germline): Uncertain significance (1 of 4 stars; one submission).

Submission:

Labcorp Genetics (formerly Invitae), Labcorp
Classification: Uncertain significance. Last evaluated: 2024-01-15. Review status: criteria provided, single submitter. Criteria: Invitae Variant Classification Sherloc (09022015). Collection method: clinical testing. Allele origin: germline.
Comment: This sequence change replaces arginine, which is basic and polar, with threonine, which is neutral and polar, at codon 2786 of the VPS13A protein (p.Arg2786Thr). This variant is not present in population databases (gnomAD no frequency). This variant has not been reported in the literature in individuals affected with VPS13A-related conditions. Advanced modeling of protein sequence and biophysical properties (such as structural, functional, and spatial information, amino acid conservation, physicochemical variation, residue mobility, and thermodynamic stability) has been performed at Invitae for this missense variant, however the output from this modeling did not meet the statistical confidence thresholds required to predict the impact of this variant on VPS13A protein function. In summary, the available evidence is currently insufficient to determine the role of this variant in disease. Therefore, it has been classified as a Variant of Uncertain Significance.

NM_033305.3(VPS13A):c.8357G>C (p.Arg2786Thr)

Gene: VPS13A (vacuolar protein sorting 13 homolog A; plus strand). Cytogenetic location: 9q21.2.
Variant type: single nucleotide variant.
Coding change: c.8357G>C on transcript NM_033305.3 (MANE Select); coding-DNA position 8357, G replaced by C.
Protein change: p.Arg2786Thr; replaces arginine 2786 with threonine.
Molecular consequence: missense variant.
Genome position (GRCh38, 1-based): chr9:77,366,758, G>C. VCF-style: chr9-77366758-G-C. GRCh37 (hg19) VCF-style: chr9-79981674-G-C.
Other names: c.8240G>C, p.Arg2747Thr (NM_001018037.2); c.8357G>C, p.Arg2786Thr (NM_001018038.3, NM_015186.4); short protein forms R2786T, R2747T.
Identifiers: ClinVar variation 2718226 (VCV002718226.3), dbSNP rs2538185145, ClinGen allele CA373863674.